The following is an entry in ClinVar:

ClinVar aggregate classification (germline): Uncertain significance (1 of 4 stars; one submission).

Conditions:
Noonan syndrome-like disorder with loose anagen hair 1 (NSLH1). Also called: TOSTI SYNDROME; MAZZANTI SYNDROME. Identifiers: Orphanet 2701, MedGen C4478716, MONDO:0054637, OMIM 607721.

gnomAD v4.1: 17 of 1,613,984 alleles (0.0011%); highest among the groups gnomAD compares: Non-Finnish European, 0.0014%; no homozygotes.

Submission:

St. Jude Molecular Pathology, St. Jude Children's Research Hospital
Classification: Uncertain significance for Noonan syndrome-like disorder with loose anagen hair 1. Last evaluated: 2026-02-11. Review status: criteria provided, single submitter. Criteria: St. Jude Assertion Criteria 2020. Collection method: clinical testing. Allele origin: germline.
Comment: The SHOC2 c.146A>T p.(Asp49Val) missense change has a maximum subpopulation frequency of 0.003% in gnomAD v2.1.1. The in silico tool REVEL is inconclusive about a pathogenic or benign effect of this variant on protein function, and to our knowledge functional studies have not been performed. To our knowledge, this variant has not been reported in the literature in individuals with SHOC2- associated conditions. In summary, the evidence currently available is insufficient to determine the clinical significance of this variant. It has therefore been classified as of uncertain significance.

NM_007373.4(SHOC2):c.146A>T (p.Asp49Val)

Gene: SHOC2 (SHOC2 leucine rich repeat scaffold protein; plus strand). Cytogenetic location: 10q25.2.
Variant type: single nucleotide variant.
Coding change: c.146A>T on transcript NM_007373.4 (MANE Select); coding-DNA position 146, A replaced by T.
Protein change: p.Asp49Val; replaces aspartic acid 49 with valine.
Molecular consequence: missense variant. On other transcripts: 5 prime UTR variant (1), non-coding transcript variant (1), intron variant (3).
Genome position (GRCh38, 1-based): chr10:110,964,504, A>T. VCF-style: chr10-110964504-A-T. GRCh37 (hg19) VCF-style: chr10-112724262-A-T.
Other names: c.146A>T, p.Asp49Val (NM_001269039.3, NM_001324336.2, NM_001324337.2 and 4 more transcripts); c.-641A>T (NM_001441188.1); c.-380-21124A>T (NM_001441190.1); c.-249-21124A>T (NM_001441191.1); c.-242-35911A>T (NM_001441189.1); short protein forms D49V.
Identifiers: ClinVar variation 4813168 (VCV004813168.1).